The following is an entry in ClinVar:

ClinVar aggregate classification (germline): Likely pathogenic (1 of 4 stars; one submission).

Conditions:
Nemaline myopathy 10 (NEM10). Identifiers: MedGen C4015360, MONDO:0014513, OMIM 616165.

Submission:

First Genomix Gene Laboratory, Genetic Diagnostics Department
Classification: Likely pathogenic for Nemaline myopathy 10. Last evaluated: 2025-09-18. Review status: criteria provided, single submitter. Criteria: ACMG Guidelines, 2015. Collection method: clinical testing. Allele origin: germline. Inheritance: Autosomal recessive inheritance. Affected: no. Observed: 1 variant allele.

NM_198271.5(LMOD3):c.1233_1236del (p.Lys411fs)

Gene: LMOD3 (leiomodin 3; minus strand). Cytogenetic location: 3p14.1.
Variant type: Deletion.
Coding change: c.1233_1236del on transcript NM_198271.5 (MANE Select); coding-DNA positions 1233 to 1236, 4 bases deleted (GGAA; older notation c.1233_1236delGGAA).
Protein change: p.Lys411fs; shifts the reading frame from lysine 411.
Molecular consequence: frameshift variant.
Genome position (GRCh38, 1-based): chr3:69,119,119-69,119,122, TTCC deleted on the plus strand (GGAA on the coding strand, the reverse complement: LMOD3 is on the minus strand); deleting any 4 consecutive bases within chr3:69,119,119-69,119,124 gives the same sequence; the c. name uses the placement nearest the transcript's 3' end. VCF-style (leftmost placement, unchanged base first): chr3-69119118-GTTCC-G. GRCh37 (hg19) VCF-style: chr3-69168269-GTTCC-G.
Other names: c.1233_1236del, p.Lys411fs (NM_001304418.3); short protein forms K411fs.
Identifiers: ClinVar variation 4850331 (VCV004850331.1).